The following is an entry in ClinVar:

NM_001164508.2(NEB):c.2762T>A (p.Leu921Ter)

Gene: NEB (nebulin; minus strand). Cytogenetic location: 2q23.3.
Variant type: single nucleotide variant.
Coding change: c.2762T>A on transcript NM_001164508.2 (MANE Select); coding-DNA position 2762, T replaced by A.
Protein change: p.Leu921Ter; replaces leucine 921 with a stop codon.
Molecular consequence: nonsense.
Genome position (GRCh38, 1-based): chr2:151,684,851, A>T on the plus strand (T>A on the coding strand, the complement: NEB is on the minus strand). VCF-style: chr2-151684851-A-T. GRCh37 (hg19) VCF-style: chr2-152541365-A-T.
Other names: c.2762T>A, p.Leu921Ter (NM_001164507.2, NM_001271208.2, NM_004543.5); short protein forms L921*.
Identifiers: ClinVar variation 1725490 (VCV001725490.2), dbSNP rs2099480203, ClinGen allele CA348822084.

ClinVar aggregate classification (germline): Likely pathogenic (1 of 4 stars; one submission).

Conditions:
Nemaline myopathy 2 (NEM2). Also called: Nemaline myopathy 2, autosomal recessive. Identifiers: MedGen C1850569, MONDO:0009725, OMIM 256030.

Submission:

Myriad Genetics, Inc.
Classification: Likely pathogenic for Nemaline myopathy 2. Last evaluated: 2022-03-29. Review status: criteria provided, single submitter. Criteria: Myriad Women's Health Autosomal Recessive and X-Linked Classification Criteria (2021). Collection method: clinical testing. Allele origin: unknown.
Comment: NM_001271208.1(NEB):c.2762T>A(L921*) is expected to be pathogenic in the context of NEB-related nemaline myopathy. This variant is predicted to lead to an abnormal or absent protein product due to the creation of a premature termination codon in NEB, a gene where loss-of-function variants are known to be pathogenic. Please note: this variant was assessed in the context of healthy population screening.